The following is an entry in ClinVar:

ClinVar aggregate classification (germline): Benign (1 of 4 stars; one submission).

Allele frequency attached by ClinVar (database versions not stated): 1000 Genomes Project 0.00220; 1000 Genomes Project 30x 0.00234; TOPMed 0.00732; gnomAD 0.00758; ESP Exome Variant Server 0.00877; ExAC 0.00888; gnomAD exomes 0.01161.

Submission:

CeGaT Center for Human Genetics Tuebingen
Classification: Benign. Last evaluated: 2023-08-01. Review status: criteria provided, single submitter. Criteria: CeGaT Center For Human Genetics Tuebingen Variant Classification Criteria Version 2. Collection method: clinical testing. Allele origin: germline. Affected: yes. Observed: 2 variant alleles.
Comment: CDC5L: BP4, BS1, BS2

NM_001253.4(CDC5L):c.759-4A>G

Gene: CDC5L (cell division cycle 5 like; plus strand). Cytogenetic location: 6p21.1.
Variant type: single nucleotide variant.
Coding change: c.759-4A>G on transcript NM_001253.4 (MANE Select); 4 bases into the intron before coding-DNA position 759, A replaced by G.
Molecular consequence: intron variant.
Genome position (GRCh38, 1-based): chr6:44,406,319, A>G. VCF-style: chr6-44406319-A-G. GRCh37 (hg19) VCF-style: chr6-44374056-A-G.
Identifiers: ClinVar variation 2571251 (VCV002571251.25), dbSNP rs79843509, ClinGen allele CA3835291.